The following is an entry in ClinVar:

NM_000548.5(TSC2):c.1470C>G (p.Ile490Met)

Gene: TSC2 (TSC complex subunit 2; plus strand). Cytogenetic location: 16p13.3.
Variant type: single nucleotide variant.
Coding change: c.1470C>G on transcript NM_000548.5 (MANE Select); coding-DNA position 1470, C replaced by G.
Protein change: p.Ile490Met; replaces isoleucine 490 with methionine.
Molecular consequence: missense variant.
Genome position (GRCh38, 1-based): chr16:2,064,298, C>G. VCF-style: chr16-2064298-C-G. GRCh37 (hg19) VCF-style: chr16-2114299-C-G.
Other names: c.1470C>G, p.Ile490Met (NM_001077183.3, NM_001114382.3, NM_001363528.2 and 3 more transcripts); c.1359C>G, p.Ile453Met (NM_001318827.2); c.1323C>G, p.Ile441Met (NM_001318829.2); c.870C>G, p.Ile290Met (NM_001318831.2); c.1503C>G, p.Ile501Met (NM_001318832.2); short protein forms I441M, I290M, I490M, I453M, I501M.
Identifiers: ClinVar variation 654316 (VCV000654316.17), dbSNP rs753344988, ClinGen allele CA394325732.
Genomic context (GRCh38, chr16:2,064,298, plus strand): 5'-CTGGCGCTCATTGGCCTCCCTTGTGCCTGTGCAGGAGGAGCTGATTAACTCAGTGGTCAT[C>G]TCGCAGCTCTCCCACATCCCCGAGGATAAAGACCACCAGGTCCGAAAGCTGGCCACCCAG-3'
Protein context (NP_000539.2, residues 480-500): YEEELINSVV[Ile490Met]SQLSHIPEDK

ClinVar aggregate classification (germline): Conflicting classifications of pathogenicity. Review status: criteria provided, conflicting classifications (1 of 4 stars). 4 submissions from 4 submitters: Uncertain significance (3); Benign (1). Last evaluated 2025-06-04.

Conditions:
Tuberous sclerosis 2 (TSC2). Identifiers: Orphanet 805, MedGen C1860707, MONDO:0013199, OMIM 613254.
Hereditary cancer-predisposing syndrome. Also called: Neoplastic Syndromes, Hereditary; Hereditary neoplastic syndrome; Hereditary Cancer Syndrome; Tumor predisposition. Identifiers: Orphanet 140162, MedGen C0027672, MeSH D009386, MONDO:0015356.
Tuberous sclerosis syndrome (TSC). Also called: Tuberous sclerosis; Tuberous Sclerosis Complex. Identifiers: Orphanet 805, MedGen C0041341, MONDO:0001734.

Allele frequency attached by ClinVar (database versions not stated): TOPMed below 0.00001.
gnomAD v4.1: 18 of 1,613,888 alleles (0.0011%); highest among the groups gnomAD compares: Non-Finnish European, 0.0014%; no homozygotes.

Submissions (4):

Labcorp Genetics (formerly Invitae), Labcorp
Classification: Benign for Tuberous sclerosis 2. Last evaluated: 2025-06-04. Review status: criteria provided, single submitter. Criteria: Invitae Variant Classification Sherloc (09022015). Collection method: clinical testing. Allele origin: germline.

All of Us Research Program, National Institutes of Health
Classification: Uncertain significance for Tuberous sclerosis syndrome. Last evaluated: 2024-05-09. Review status: criteria provided, single submitter. Criteria: ACMG Guidelines, 2015. Collection method: clinical testing. Allele origin: germline. Inheritance: Autosomal dominant inheritance. Observed: 2 variant alleles, 2 heterozygotes.
Comment: This missense variant replaces isoleucine with methionine at codon 490 of the TSC2 protein. Computational prediction suggests that this variant may not impact protein structure and function (internally defined REVEL score threshold <= 0.5, PMID: 27666373). To our knowledge, functional studies have not been reported for this variant. This variant has not been reported in individuals affected with TSC2-related disorders in the literature. This variant has not been identified in the general population by the Genome Aggregation Database (gnomAD). The available evidence is insufficient to determine the role of this variant in disease conclusively. Therefore, this variant is classified as a Variant of Uncertain Significance.

This study involves interpretation of variants in research participants for the purpose of population health screening. Participant phenotype was not available at the time of variant classification. Additional details can be found in publication PMID: 35346344, PMCID: PMC8962531

Ambry Genetics
Classification: Uncertain significance for Hereditary cancer-predisposing syndrome. Last evaluated: 2024-01-19. Review status: criteria provided, single submitter. Criteria: Ambry Variant Classification Scheme 2023. Collection method: clinical testing. Allele origin: germline.
Comment: The p.I490M variant (also known as c.1470C>G), located in coding exon 14 of the TSC2 gene, results from a C to G substitution at nucleotide position 1470. The isoleucine at codon 490 is replaced by methionine, an amino acid with highly similar properties. This amino acid position is well conserved in available vertebrate species. In addition, the in silico prediction for this alteration is inconclusive. Since supporting evidence is limited at this time, the clinical significance of this alteration remains unclear.

Genome-Nilou Lab
Classification: Uncertain significance for Tuberous sclerosis 2. Last evaluated: 2021-11-07. Review status: criteria provided, single submitter. Criteria: ACMG Guidelines, 2015. Collection method: clinical testing. Allele origin: germline. Affected: no.